The following is an entry in ClinVar:

ClinVar aggregate classification (germline): Conflicting classifications of pathogenicity. Review status: criteria provided, conflicting classifications (1 of 4 stars). 5 submissions from 5 submitters: Likely pathogenic (1); Uncertain significance (4). Last evaluated 2026-09-01.

Conditions:
Adult hypophosphatasia. Identifiers: Orphanet 247676, Orphanet 436, MedGen C0268413, MONDO:1010154, OMIM 146300, MONDO:0007798.
Childhood hypophosphatasia. Identifiers: Orphanet 247667, Orphanet 436, MedGen C0220743, MONDO:1010168, OMIM 241510, MONDO:0009428.
Infantile hypophosphatasia. Identifiers: Orphanet 247651, Orphanet 436, MedGen C0268412, MONDO:1010169, OMIM 241500, MONDO:0009427.
Hypophosphatasia. Also called: Phosphoethanol-aminuria. Identifiers: Orphanet 436, MedGen C0020630, MeSH D007014, MONDO:0018570.

Allele frequency attached by ClinVar (database versions not stated): gnomAD 0.00001; TOPMed 0.00002; ExAC 0.00004; ESP Exome Variant Server 0.00008.
gnomAD v4.1: 95 of 1,614,120 alleles (0.0059%); highest among the groups gnomAD compares: Non-Finnish European, 0.0076%; no homozygotes.

Submissions (5):

Genomenon, Inc
Classification: Uncertain significance for Hypophosphatasia. Last evaluated: 2026-09-01. Review status: criteria provided, single submitter. Criteria: Genomenon Sequence Variant Interpretation Standards - Updated. Collection method: curation. Allele origin: germline. Affected: no.
Comment: ALPL p.Ser368Leu (c.1103C>T) is a missense variant that changes the amino acid at codon 368 from Serine to Leucine. This variant has been reported in the published literature (PMID:32160374). It is absent or not present at a significant frequency in gnomAD. In silico models predict that this variant is not damaging. In conclusion, we classify ALPL p.Ser368Leu (c.1103C>T) as a variant of uncertain significance.

Genome Diagnostics Laboratory, The Hospital for Sick Children
Classification: Uncertain significance for Hypophosphatasia. Last evaluated: 2026-05-28. Review status: criteria provided, single submitter. Criteria: ACMG Guidelines, 2015. Collection method: clinical testing. Allele origin: germline. Affected: yes.
Comment: This missense variant results in a change of serine to leucine at position 368, and in silico programs predict this variant to be tolerated. To the best of our knowledge, this variant has not been previously reported in the scientific literature as a benign variant or a disease-causing change. This variant is observed at an allele frequency of 0.0059% in populations of the Genome Aggregation Database (gnomAD). Based on the evidence, this variant is classified as a variant of uncertain significance (ACMG criteria - PM2, BP4)

Labcorp Genetics (formerly Invitae), Labcorp
Classification: Uncertain significance. Last evaluated: 2024-10-22. Review status: criteria provided, single submitter. Criteria: Invitae Variant Classification Sherloc (09022015). Collection method: clinical testing. Allele origin: germline.
Comment: This sequence change replaces serine, which is neutral and polar, with leucine, which is neutral and non-polar, at codon 368 of the ALPL protein (p.Ser368Leu). This variant is present in population databases (rs368809478, gnomAD 0.01%). This variant has not been reported in the literature in individuals affected with ALPL-related conditions. ClinVar contains an entry for this variant (Variation ID: 1702026). An algorithm developed to predict the effect of missense changes on protein structure and function outputs the following: PolyPhen-2: "Benign". The leucine amino acid residue is found in multiple mammalian species, which suggests that this missense change does not adversely affect protein function. In summary, the available evidence is currently insufficient to determine the role of this variant in disease. Therefore, it has been classified as a Variant of Uncertain Significance.

Pittsburgh Clinical Genomics Laboratory, University of Pittsburgh Medical Center
Classification: Uncertain significance for Infantile hypophosphatasia. Last evaluated: 2023-08-17. Review status: criteria provided, single submitter. Criteria: ACMG Guidelines, 2015. Collection method: clinical testing. Allele origin: germline. Inheritance: Autosomal recessive inheritance. Affected: yes.
Comment: This sequence variant is a single nucleotide substitution (C>T) at position 1103 of the coding sequence of the ALPL gene that results in a serine to leucine amino acid change at residue 368 of the alkaline phosphatase, biomineralization associated protein. This is a previously reported variant (ClinVar 1702026) that has not been observed in individuals affected by ALPL-related disorders, to our knowledge. This variant is present in 10 of 251488 alleles (0.0040%) in the gnomAD population dataset. Multiple bioinformatic tools predict that this amino acid change would be neutral, and the Ser368 residue is poorly conserved across the vertebrate species examined. Studies examining the functiol consequence of this variant suggest that its enzymatic activity is approximately 80% of wild type (PMID: 32160374). At this time, there is insufficient evidence to determine if this variant is pathogenic or benign. Therefore, we consider this a variant of uncertain significance. ACMG Criteria: BP4, PM2, PP2

Department of Pathology and Laboratory Medicine, Sinai Health System
Classification: Likely pathogenic for Adult hypophosphatasia; Childhood hypophosphatasia; Infantile hypophosphatasia. Last evaluated: 2022-10-10. Review status: criteria provided, single submitter. Criteria: ACMG Guidelines, 2015. Collection method: research. Allele origin: germline.

Literature cited by the submitters: PubMed 32160374 (cited by Genomenon, Inc and Pittsburgh Clinical Genomics Laboratory, University of Pittsburgh Medical Center).

NM_000478.6(ALPL):c.1103C>T (p.Ser368Leu)

Gene: ALPL (alkaline phosphatase, biomineralization associated; plus strand). Cytogenetic location: 1p36.12.
Variant type: single nucleotide variant.
Coding change: c.1103C>T on transcript NM_000478.6 (MANE Select); coding-DNA position 1103, C replaced by T.
Protein change: p.Ser368Leu; replaces serine 368 with leucine.
Molecular consequence: missense variant.
Genome position (GRCh38, 1-based): chr1:21,575,838, C>T. VCF-style: chr1-21575838-C-T. GRCh37 (hg19) VCF-style: chr1-21902331-C-T.
Other names: c.938C>T, p.Ser313Leu (NM_001127501.4); c.872C>T, p.Ser291Leu (NM_001177520.3); c.1103C>T, p.Ser368Leu (NM_001369803.2, NM_001369804.2, NM_001369805.2); short protein forms S291L, S313L, S368L.
Identifiers: ClinVar variation 1702026 (VCV001702026.10), dbSNP rs368809478, ClinGen allele CA666732.